The following is an entry in ClinVar:

NM_000252.3(MTM1):c.342+38C>T

Gene: MTM1 (myotubularin 1; plus strand). Cytogenetic location: Xq28.
Variant type: single nucleotide variant.
Coding change: c.342+38C>T on transcript NM_000252.3 (MANE Select); 38 bases into the intron after coding-DNA position 342, C replaced by T.
Molecular consequence: intron variant.
Genome position (GRCh38, 1-based): chrX:150,614,737, C>T. VCF-style: chrX-150614737-C-T. GRCh37 (hg19) VCF-style: chrX-149783210-C-T.
Other names: c.342+38C>T (NM_001376908.1, NM_001376906.1); c.232-4301C>T (NM_001376907.1).
Identifiers: ClinVar variation 4292079 (VCV004292079.1).
Genomic context (GRCh38, chrX:150,614,737, plus strand): 5'-ATGGTCTAGATATTACTTGTAAAGTAAGAGATTCGATACTTTCTTATGCAAAGAACAAGG[C>T]ACGTTAGTGTTGAATGATAGTAGACAATTAATGTGGATTTGAAAAAAAAAAATCAAAATC-3'

ClinVar aggregate classification (germline): Uncertain significance (1 of 4 stars; one submission).

Conditions:
Severe X-linked myotubular myopathy (CNMX). Also called: Myotubular myopathy, X-linked; X-linked centronuclear myopathy; MYOTUBULAR MYOPATHY 1. Identifiers: Orphanet 596, MedGen C0410203, MONDO:0010683, OMIM 310400.

Submission:

3billion
Classification: Uncertain significance for Severe X-linked myotubular myopathy. Last evaluated: 2024-11-21. Review status: criteria provided, single submitter. Criteria: ACMG Guidelines, 2015. Collection method: clinical testing. Allele origin: germline. Affected: yes.
Comment: The variant is not observed in the gnomAD v4.1.0 dataset. Predicted Consequence/Location: Intron variant In silico tools predict the variant to alter splicing and produce an abnormal transcript [SpliceAI: 0.97 (>=0.2, moderate evidence for spliceogenicity)]. Therefore, this variant is classified as VUS according to the recommendation of ACMG/AMP guideline.